The following is an entry in ClinVar:

NM_000091.5(COL4A3):c.4240A>T (p.Lys1414Ter)

Genes: MFF-DT (MFF divergent transcript; minus strand), COL4A3 (collagen type IV alpha 3 chain; plus strand). Cytogenetic location: 2q36.3.
Variant type: single nucleotide variant.
Coding change: c.4240A>T on transcript NM_000091.5 (MANE Select); coding-DNA position 4240, A replaced by T.
Protein change: p.Lys1414Ter; replaces lysine 1414 with a stop codon.
Molecular consequence: nonsense.
Genome position (GRCh38, 1-based): chr2:227,305,071, A>T. VCF-style: chr2-227305071-A-T. GRCh37 (hg19) VCF-style: chr2-228169787-A-T.
Other names: short protein forms K1414*.
Identifiers: ClinVar variation 1725802 (VCV001725802.2), dbSNP rs2469916694, ClinGen allele CA350863960.
Genomic context (GRCh38, chr2:227,305,071, plus strand): 5'-GGCAAGGATGGAAAACCAGGAACTCCTGGACCAGCTGGAGAAAAAGGCAACAAAGGTTCT[A>T]AAGGAGAGCCAGGTAAACCCCCAGCTTGTTTCCTCACCGAAGAAGTGCTATTTCGACATA-3'

ClinVar aggregate classification (germline): Likely pathogenic (1 of 4 stars; one submission).

Conditions:
Autosomal recessive Alport syndrome (ATS2). Also called: Alport syndrome type 2; COL4A4 Alport Syndrome and Thin Basement Membrane Nephropathy; ALPORT SYNDROME 2, AUTOSOMAL RECESSIVE; COL4A3-Related Nephropathy. Identifiers: Orphanet 63, Orphanet 88919, MedGen C4746745, MONDO:0008762, OMIM 203780.

Submission:

Myriad Genetics, Inc.
Classification: Likely pathogenic for Autosomal recessive Alport syndrome. Last evaluated: 2022-04-01. Review status: criteria provided, single submitter. Criteria: Myriad Women's Health Autosomal Recessive and X-Linked Classification Criteria (2021). Collection method: clinical testing. Allele origin: unknown.
Comment: NM_000091.4(COL4A3):c.4240A>T(K1414*) is expected to be pathogenic in the context of COL4A3-related Alport syndrome. This variant is predicted to lead to an abnormal or absent protein product due to the creation of a premature termination codon in COL4A3, a gene where loss-of-function variants are known to be pathogenic. Please note: this variant was assessed in the context of healthy population screening.